The following is an entry in ClinVar:

ClinVar aggregate classification (germline): Uncertain significance (1 of 4 stars; one submission).

Conditions:
Cohen syndrome (COH1). Also called: Cutis verticis gyrata, retinitis pigmentosa, and sensorineural deafness; PEPPER SYNDROME. Identifiers: Orphanet 193, MedGen C0265223, MONDO:0008999, OMIM 216550.

Allele frequency attached by ClinVar (database versions not stated): gnomAD exomes below 0.00001.
gnomAD v4.1: 2 of 1,614,040 alleles (0.00012%); highest among the groups gnomAD compares: Admixed American, 0.0017%; no homozygotes.

Submission:

Labcorp Genetics (formerly Invitae), Labcorp
Classification: Uncertain significance for Cohen syndrome. Last evaluated: 2022-02-04. Review status: criteria provided, single submitter. Criteria: Invitae Variant Classification Sherloc (09022015). Collection method: clinical testing. Allele origin: germline.
Comment: This sequence change replaces leucine, which is neutral and non-polar, with methionine, which is neutral and non-polar, at codon 2214 of the VPS13B protein (p.Leu2214Met). This variant is present in population databases (no rsID available, gnomAD 0.003%). This variant has not been reported in the literature in individuals affected with VPS13B-related conditions. ClinVar contains an entry for this variant (Variation ID: 962386). Algorithms developed to predict the effect of missense changes on protein structure and function are either unavailable or do not agree on the potential impact of this missense change (SIFT: "Not Available"; PolyPhen-2: "Possibly Damaging"; Align-GVGD: "Not Available"). In summary, the available evidence is currently insufficient to determine the role of this variant in disease. Therefore, it has been classified as a Variant of Uncertain Significance.

NM_152564.5(VPS13B):c.6565C>A (p.Leu2189Met)

Gene: VPS13B (vacuolar protein sorting 13 homolog B; plus strand). Cytogenetic location: 8q22.2.
Variant type: single nucleotide variant.
Coding change: c.6565C>A on transcript NM_152564.5 (MANE Select); coding-DNA position 6565, C replaced by A.
Protein change: p.Leu2189Met; replaces leucine 2189 with methionine.
Molecular consequence: missense variant.
Genome position (GRCh38, 1-based): chr8:99,717,281, C>A. VCF-style: chr8-99717281-C-A. GRCh37 (hg19) VCF-style: chr8-100729509-C-A.
Other names: c.6640C>A, p.Leu2214Met (NM_017890.5); short protein forms L2189M, L2214M.
Identifiers: ClinVar variation 962386 (VCV000962386.7), dbSNP rs1299494623, ClinGen allele CA371867308.
Genomic context (GRCh38, chr8:99,717,281, plus strand): 5'-AAAACAAGTCTCAAAGAAAGAAGCCGCATTCTGATAGGACCATGTTGTGCTACTGCCAAT[C>A]TGGAAGCTAAGTGGTGTAAACACAGCGGGAATCCAGGCCCAGAACAATCCATACCAAAAA-3'
Protein context (NP_689777.3, residues 2179-2199): LIGPCCATAN[Leu2189Met]EAKWCKHSGN